The following is an entry in ClinVar:

NM_004415.4(DSP):c.4818G>T (p.Lys1606Asn)

Gene: DSP (desmoplakin; plus strand). Cytogenetic location: 6p24.3.
Variant type: single nucleotide variant.
Coding change: c.4818G>T on transcript NM_004415.4 (MANE Select); coding-DNA position 4818, G replaced by T.
Protein change: p.Lys1606Asn; replaces lysine 1606 with asparagine.
Molecular consequence: missense variant. On other transcripts: intron variant (2).
Genome position (GRCh38, 1-based): chr6:7,581,008, G>T. VCF-style: chr6-7581008-G-T. GRCh37 (hg19) VCF-style: chr6-7581241-G-T.
Other names: c.4050+768G>T (NM_001319034.2); c.3582+1236G>T (NM_001008844.3); short protein forms K1606N.
Identifiers: ClinVar variation 3750507 (VCV003750507.3).

ClinVar aggregate classification (germline): Uncertain significance. Review status: criteria provided, multiple submitters, no conflicts (2 of 4 stars). 2 submissions from 2 submitters: Uncertain significance (2). Last evaluated 2025-09-14.

Conditions:
Cardiomyopathy (CMYO). Also called: Cardiomyopathies. Identifiers: Orphanet 167848, MedGen C0878544, MONDO:0004994, HP:0001638. Inheritance: Various modes of inheritance.
Arrhythmogenic right ventricular dysplasia 8 (ARVD8). Also called: Arrhythmogenic Right Ventricular Dysplasia/Cardiomyopathy 8; ARRHYTHMOGENIC RIGHT VENTRICULAR DYSPLASIA, FAMILIAL, 8; ARRHYTHMOGENIC RIGHT VENTRICULAR CARDIOMYOPATHY 8. Identifiers: MedGen C1843896, MONDO:0011831, OMIM 607450.
Arrhythmogenic cardiomyopathy with wooly hair and keratoderma. Also called: PALMOPLANTAR KERATODERMA WITH LEFT VENTRICULAR CARDIOMYOPATHY AND WOOLLY HAIR; Carvajal syndrome; Dilated cardiomyopathy with woolly hair and keratoderma; Arrhythmogenic cardiomyopathy with woolly hair and keratoderma. Identifiers: Orphanet 65282, MedGen C1854063, MONDO:0011581, OMIM 605676.

Submissions (2):

Color Diagnostics, LLC DBA Color Health
Classification: Uncertain significance for Cardiomyopathy. Last evaluated: 2025-09-14. Review status: criteria provided, single submitter. Criteria: ACMG Guidelines, 2015. Collection method: clinical testing. Allele origin: germline.
Comment: This missense variant replaces lysine with asparagine at codon 1606 of the DSP protein. Computational prediction suggests that this variant may not impact protein structure and function. To our knowledge, functional studies have not been reported for this variant. This variant has not been reported in individuals affected with DSP-related disorders in the literature. This variant has not been identified in the general population by the Genome Aggregation Database (gnomAD). The available evidence is insufficient to determine the role of this variant in disease conclusively. Therefore, this variant is classified as a Variant of Uncertain Significance.

Labcorp Genetics (formerly Invitae), Labcorp
Classification: Uncertain significance for Arrhythmogenic cardiomyopathy with wooly hair and keratoderma; Arrhythmogenic right ventricular dysplasia 8. Last evaluated: 2024-11-10. Review status: criteria provided, single submitter. Criteria: Invitae Variant Classification Sherloc (09022015). Collection method: clinical testing. Allele origin: germline.
Comment: This sequence change replaces lysine, which is basic and polar, with asparagine, which is neutral and polar, at codon 1606 of the DSP protein (p.Lys1606Asn). This variant is not present in population databases (gnomAD no frequency). This variant has not been reported in the literature in individuals affected with DSP-related conditions. An algorithm developed to predict the effect of missense changes on protein structure and function (PolyPhen-2) suggests that this variant is likely to be tolerated. In summary, the available evidence is currently insufficient to determine the role of this variant in disease. Therefore, it has been classified as a Variant of Uncertain Significance.